The following is an entry in ClinVar:

NM_001134831.2(AHI1):c.2706T>C (p.Val902=)

Gene: AHI1 (Abelson helper integration site 1; minus strand). Cytogenetic location: 6q23.3.
Variant type: single nucleotide variant.
Coding change: c.2706T>C on transcript NM_001134831.2 (MANE Select); coding-DNA position 2706, T replaced by C.
Protein change: p.Val902=; no amino-acid change (valine 902 retained).
Molecular consequence: synonymous variant.
Genome position (GRCh38, 1-based): chr6:135,427,225, A>G on the plus strand (T>C on the coding strand, the complement: AHI1 is on the minus strand). VCF-style: chr6-135427225-A-G. GRCh37 (hg19) VCF-style: chr6-135748363-A-G.
Other names: c.2706T>C, p.Val902= (NM_001134830.2, NM_001134832.2, NM_001350503.2 and 2 more transcripts); c.2706T>C (NM_017651.4).
Identifiers: ClinVar variation 1102959 (VCV001102959.11), dbSNP rs576859418, ClinGen allele CA4012297.
Genomic context (GRCh38, chr6:135,427,225, plus strand): 5'-ACCATGGAAATCGTAAATATACAGAAGAATTGGCTCATTTTGCCCAAATGCACAGAATGC[A>G]ACCATATTTTCAAATGGATGATAAGAAATGTCTCGAATGGGTGACTTGAATGGCAAGTCA-3'
Protein context (NP_001128303.1, residues 892-912): DISYHPFENM[Val902=]AFCAFGQNEP

ClinVar aggregate classification (germline): Likely benign. Review status: criteria provided, multiple submitters, no conflicts (2 of 4 stars). 3 submissions from 3 submitters: Likely benign (3). Last evaluated 2026-02-04.

Conditions:
Joubert syndrome. Also called: Familial aplasia of the vermis; JOUBERT-BOLTSHAUSER SYNDROME. Identifiers: Orphanet 475, MedGen C5979921, MONDO:0018772.
AHI1-related disorder. Also called: AHI1-related condition.

Allele frequency attached by ClinVar (database versions not stated): TOPMed below 0.00001; gnomAD 0.00003; gnomAD exomes 0.00007 and 0.00016; ExAC 0.00017; 1000 Genomes Project 30x 0.00031; 1000 Genomes Project 0.00040.
gnomAD v4.1: 103 of 1,610,868 alleles (0.0064%); highest among the groups gnomAD compares: South Asian, 0.09%; no homozygotes.

Submissions (3):

Labcorp Genetics (formerly Invitae), Labcorp
Classification: Likely benign for Joubert syndrome. Last evaluated: 2026-02-04. Review status: criteria provided, single submitter. Criteria: Invitae Variant Classification Sherloc (09022015). Collection method: clinical testing. Allele origin: germline.

PreventionGenetics, part of Exact Sciences
Classification: Likely benign for AHI1-related condition. Last evaluated: 2025-06-26. Review status: criteria provided, single submitter. Criteria: ACMG Guidelines, 2015. Collection method: clinical testing. Allele origin: germline.
Comment: This variant is classified as likely benign based on ACMG/AMP sequence variant interpretation guidelines (Richards et al. 2015 PMID: 25741868, with internal and published modifications).

Blueprint Genetics
Classification: Likely benign. Last evaluated: 2021-05-03. Review status: criteria provided, single submitter. Criteria: ACMG Guidelines, 2015. Collection method: clinical testing. Allele origin: germline.